The following is an entry in ClinVar:

ClinVar aggregate classification (germline): Uncertain significance. Review status: criteria provided, multiple submitters, no conflicts (2 of 4 stars). 3 submissions from 2 submitters: Uncertain significance (3). Last evaluated 2026-01-06.

Conditions:
Diffuse nonepidermolytic palmoplantar keratoderma (NEPPK). Also called: Nonepidermolytic palmoplantar keratoderma; Nonepidermolytic palmoplantar hyperkeratosis. Identifiers: Orphanet 530838, MedGen C1833030, MONDO:0010962, OMIM 600962, HP:0007404.
Epidermolytic ichthyosis. Also called: KRT10-Related Epidermolytic Hyperkeratosis; Bullous ichthyosiform erythroderma; Epidermolytic Hyperkeratosis; Congenital bullous ichthyosiform erythroderma. Identifiers: Orphanet 312, MedGen C0079153, MONDO:0007239, HP:0007475.

Allele frequency attached by ClinVar (database versions not stated): gnomAD exomes 0.00001.

Submissions (3):

Labcorp Genetics (formerly Invitae), Labcorp
Classification: Uncertain significance. Last evaluated: 2026-01-06. Review status: criteria provided, single submitter. Criteria: Invitae Variant Classification Sherloc (09022015). Collection method: clinical testing. Allele origin: germline.
Comment: This sequence change replaces glycine, which is neutral and non-polar, with serine, which is neutral and polar, at codon 556 of the KRT1 protein (p.Gly556Ser). This variant is present in population databases (rs371843007, gnomAD 0.005%). This variant has not been reported in the literature in individuals affected with KRT1-related conditions. ClinVar contains an entry for this variant (Variation ID: 881053). Invitae Evidence Modeling of protein sequence and biophysical properties (such as structural, functional, and spatial information, amino acid conservation, physicochemical variation, residue mobility, and thermodynamic stability) indicates that this missense variant is not expected to disrupt KRT1 protein function with a negative predictive value of 80%. In summary, the available evidence is currently insufficient to determine the role of this variant in disease. Therefore, it has been classified as a Variant of Uncertain Significance.

Illumina Laboratory Services, Illumina
Classification: Uncertain significance for Diffuse nonepidermolytic palmoplantar keratoderma. Last evaluated: 2018-01-12. Review status: criteria provided, single submitter. Criteria: ICSL Variant Classification Criteria 13 December 2019. Collection method: clinical testing. Allele origin: germline.

Illumina Laboratory Services, Illumina
Classification: Uncertain significance for Epidermolytic hyperkeratosis 1. Last evaluated: 2018-01-12. Review status: criteria provided, single submitter. Criteria: ICSL Variant Classification Criteria 13 December 2019. Collection method: clinical testing. Allele origin: germline.

NM_006121.4(KRT1):c.1666G>A (p.Gly556Ser)

Gene: KRT1 (keratin 1; minus strand). Cytogenetic location: 12q13.13.
Variant type: single nucleotide variant.
Coding change: c.1666G>A on transcript NM_006121.4 (MANE Select); coding-DNA position 1666, G replaced by A.
Protein change: p.Gly556Ser; replaces glycine 556 with serine.
Molecular consequence: missense variant.
Genome position (GRCh38, 1-based): chr12:52,675,462, C>T on the plus strand (G>A on the coding strand, the complement: KRT1 is on the minus strand). VCF-style: chr12-52675462-C-T. GRCh37 (hg19) VCF-style: chr12-53069246-C-T.
Other names: short protein forms G556S.
Identifiers: ClinVar variation 881053 (VCV000881053.7), dbSNP rs371843007, ClinGen allele CA237261529.